The following is an entry in ClinVar:

ClinVar aggregate classification (germline): Uncertain significance. Review status: criteria provided, multiple submitters, no conflicts (2 of 4 stars). 2 submissions from 2 submitters: Uncertain significance (2). Last evaluated 2023-03-13.

Conditions:
Nephronophthisis 14 (NPHP14). Identifiers: Orphanet 2318, MedGen C3539071, MONDO:0013916, OMIM 614844.

Submissions (2):

Ambry Genetics
Classification: Uncertain significance. Last evaluated: 2023-03-13. Review status: criteria provided, single submitter. Criteria: Ambry Variant Classification Scheme 2023. Collection method: clinical testing. Allele origin: germline.

Labcorp Genetics (formerly Invitae), Labcorp
Classification: Uncertain significance for Nephronophthisis 14. Last evaluated: 2022-07-09. Review status: criteria provided, single submitter. Criteria: Invitae Variant Classification Sherloc (09022015). Collection method: clinical testing. Allele origin: germline.
Comment: This sequence change replaces proline, which is neutral and non-polar, with arginine, which is basic and polar, at codon 1055 of the ZNF423 protein (p.Pro1055Arg). This variant is present in population databases (rs762599061, gnomAD 0.002%). This variant has not been reported in the literature in individuals affected with ZNF423-related conditions. Algorithms developed to predict the effect of missense changes on protein structure and function are either unavailable or do not agree on the potential impact of this missense change (SIFT: "Deleterious"; PolyPhen-2: "Possibly Damaging"; Align-GVGD: "Class C0"). In summary, the available evidence is currently insufficient to determine the role of this variant in disease. Therefore, it has been classified as a Variant of Uncertain Significance.

NM_001379286.1(ZNF423):c.3188C>G (p.Pro1063Arg)

Gene: ZNF423 (zinc finger protein 423; minus strand). Cytogenetic location: 16q12.1.
Variant type: single nucleotide variant.
Coding change: c.3188C>G on transcript NM_001379286.1 (MANE Select); coding-DNA position 3188, C replaced by G.
Protein change: p.Pro1063Arg; replaces proline 1063 with arginine.
Molecular consequence: missense variant.
Genome position (GRCh38, 1-based): chr16:49,635,988, G>C on the plus strand (C>G on the coding strand, the complement: ZNF423 is on the minus strand). VCF-style: chr16-49635988-G-C. GRCh37 (hg19) VCF-style: chr16-49669899-G-C.
Other names: c.2984C>G, p.Pro995Arg (NM_001271620.2); c.2813C>G, p.Pro938Arg (NM_001330533.2); c.3164C>G, p.Pro1055Arg (NM_015069.5); c.3164C>G (NM_015069.2); short protein forms P995R, P1055R, P1063R, P938R.
Identifiers: ClinVar variation 2182896 (VCV002182896.3), dbSNP rs762599061, ClinGen allele CA8046370.
Genomic context (GRCh38, chr16:49,635,988, plus strand): 5'-CTGCGGAACTCCTTGAGGCACAGGGCGCACTTGTAGAGCTTCTGCAGCCCCTGGCCATTG[G>C]GGGAGGACGCCGCTGAGCTGCCCGCCAGCTTCTGCATGTGGAAGGTGCCATGGATCTTGA-3'
Protein context (NP_001366215.1, residues 1053-1073): KLAGSSAASS[Pro1063Arg]NGQGLQKLYK